The following is an entry in ClinVar:

ClinVar aggregate classification (germline): Pathogenic/Likely pathogenic. Review status: criteria provided, multiple submitters, no conflicts (2 of 4 stars). 5 submissions from 5 submitters: Pathogenic (3); Likely pathogenic (2). Last evaluated 2023-08-16.

Conditions:
MSH6-related disorder. Also called: MSH6-related condition; MSH6-Related disorders.
Lynch syndrome. Identifiers: Orphanet 144, MedGen C4552100, MONDO:0005835. Disease mechanism: loss of function.
Hereditary nonpolyposis colon cancer (HNPCC). Also called: Hereditary nonpolyposis colorectal cancer; Familial nonpolyposis colon cancer; Hereditary Nonpolyposis Colorectal Cancer Syndrome. Identifiers: Orphanet 443909, MedGen C1333990, MONDO:0018630. Disease mechanism: loss of function.
Hereditary cancer-predisposing syndrome. Also called: Tumor predisposition; Hereditary neoplastic syndrome; Neoplastic Syndromes, Hereditary; Hereditary Cancer Syndrome. Identifiers: Orphanet 140162, MedGen C0027672, MeSH D009386, MONDO:0015356.
Lynch syndrome 5 (LYNCH5). Also called: Colorectal cancer, hereditary nonpolyposis, type 5; Hereditary non-polyposis colorectal cancer, type 5. Identifiers: Orphanet 144, MedGen C1833477, MONDO:0013710, OMIM 614350. Disease mechanism: loss of function.

Submissions (5):

Myriad Genetics, Inc.
Classification: Pathogenic for Lynch syndrome 5. Last evaluated: 2023-08-16. Review status: criteria provided, single submitter. Criteria: Myriad Autosomal Dominant, Autosomal Recessive and X-Linked Classification Criteria (2023). Collection method: clinical testing. Allele origin: unknown.
Comment: This variant is considered pathogenic. This variant creates a termination codon and is predicted to result in premature protein truncation.

PreventionGenetics, part of Exact Sciences
Classification: Likely pathogenic for MSH6-related condition. Last evaluated: 2023-05-31. Review status: criteria provided, single submitter. Criteria: ACMG Guidelines, 2015. Collection method: clinical testing. Allele origin: germline.
Comment: The MSH6 c.1993G>T variant is predicted to result in premature protein termination (p.Glu665*). This variant was observed in an individual from a large cohort of predominantly healthy individuals, and was reported as a clinically actionable finding (Table S10, Zouk et al 2019. PubMed ID: 31447099). This variant has not been reported in a large population database, indicating this variant is rare. In ClinVar, this variant is interpreted as likely pathogenic or pathogenic. Nonsense variants in MSH6 are expected to be pathogenic. In summary, this variant is interpreted as likely pathogenic.

Women's Health and Genetics/Laboratory Corporation of America, LabCorp
Classification: Likely pathogenic for Hereditary nonpolyposis colon cancer. Last evaluated: 2023-01-03. Review status: criteria provided, single submitter. Criteria: LabCorp Variant Classification Summary - May 2015. Collection method: clinical testing. Allele origin: germline.
Comment: Variant summary: MSH6 c.1993G>T (p.Glu665X) results in a premature termination codon, predicted to cause a truncation of the encoded protein or absence of the protein due to nonsense mediated decay, which are commonly known mechanisms for disease. Truncations downstream of this position have been classified as pathogenic by our laboratory. The variant was absent in 251088 control chromosomes. c.1993G>T has been reported in the literature in at least one individual affected with Lynch Syndrome (Zouk_2019). These data indicate that the variant is very likely to be associated with disease. To our knowledge, no experimental evidence demonstrating an impact on protein function has been reported. Two ClinVar submitters (evaluation after 2014) cite this variant as pathogenic. Based on the evidence outlined above, the variant was classified as likely pathogenic.

Ambry Genetics
Classification: Pathogenic for Hereditary cancer-predisposing syndrome. Last evaluated: 2022-04-28. Review status: criteria provided, single submitter. Criteria: Ambry Variant Classification Scheme 2023. Collection method: clinical testing. Allele origin: germline.
Comment: The p.E665* pathogenic mutation (also known as c.1993G>T), located in coding exon 4 of the MSH6 gene, results from a G to T substitution at nucleotide position 1993. This changes the amino acid from a glutamic acid to a stop codon within coding exon 4. This alteration is expected to result in loss of function by premature protein truncation or nonsense-mediated mRNA decay. As such, this alteration is interpreted as a disease-causing mutation.

Laboratory for Molecular Medicine, Mass General Brigham Personalized Medicine
Classification: Pathogenic for Lynch syndrome. Last evaluated: 2017-05-24. Review status: criteria provided, single submitter. Criteria: LMM Criteria. Collection method: clinical testing. Allele origin: germline. Inheritance: Autosomal dominant inheritance. Observed: 1 variant allele.
Comment: The p.Glu665X variant in MSH6 has not been previously reported in individuals wi th Lynch syndrome or in large population studies. This nonsense variant leads to a premature termination codon at position 665, which is predicted to lead to a truncated or absent protein. Heterozygous loss of function of the MSH6 gene is a n established disease mechanism in Lynch syndrome. In summary, this variant meet s criteria to be classified as pathogenic for Lynch syndrome in an autosomal dom inant manner based upon the predicted impact to the protein.

NM_000179.3(MSH6):c.1993G>T (p.Glu665Ter)

Gene: MSH6 (mutS homolog 6; plus strand). Cytogenetic location: 2p16.3.
Variant type: single nucleotide variant.
Coding change: c.1993G>T on transcript NM_000179.3 (MANE Select); coding-DNA position 1993, G replaced by T.
Protein change: p.Glu665Ter; replaces glutamic acid 665 with a stop codon.
Molecular consequence: nonsense.
Genome position (GRCh38, 1-based): chr2:47,799,976, G>T. VCF-style: chr2-47799976-G-T. GRCh37 (hg19) VCF-style: chr2-48027115-G-T.
Other names: c.1603G>T, p.Glu535Ter (NM_001281492.2); c.1087G>T, p.Glu363Ter (NM_001281493.2, NM_001281494.2); short protein forms E665*, E535*, E363*.
Identifiers: ClinVar variation 517315 (VCV000517315.12), dbSNP rs1333555322, ClinGen allele CA346750651.